The following is an entry in ClinVar:

ClinVar aggregate classification (germline): Benign/Likely benign. Review status: criteria provided, multiple submitters, no conflicts (2 of 4 stars). 13 submissions from 13 submitters: Benign (7); Likely benign (2). 4 of the submissions do not count toward it. Last evaluated 2026-02-03.

Conditions:
Autosomal recessive early-onset Parkinson disease 6 (PARK6). Also called: PARKINSON DISEASE 6, EARLY-ONSET; PINK1 Type of Young-Onset Parkinson Disease; PINK1-Related Parkinson Disease; PARKINSON DISEASE 6, MODIFIER OF. Identifiers: Orphanet 2828, MedGen C1853833, MONDO:0011613, OMIM 605909.

Allele frequency attached by ClinVar (database versions not stated): TOPMed 0.26759; ESP Exome Variant Server 0.27003; gnomAD 0.27338 and 0.27663; gnomAD exomes 0.28557 and 0.29229; 1000 Genomes Project 30x 0.29403; ExAC 0.29739; 1000 Genomes Project 0.30052.

Submissions (13):

Labcorp Genetics (formerly Invitae), Labcorp
Classification: Benign for Autosomal recessive early-onset Parkinson disease 6. Last evaluated: 2026-02-03. Review status: criteria provided, single submitter. Criteria: Invitae Variant Classification Sherloc (09022015). Collection method: clinical testing. Allele origin: germline.

Unidad de Genómica Garrahan, Hospital de Pediatría Garrahan
Classification: Benign. Last evaluated: 2024-07-31. Review status: criteria provided, single submitter. Criteria: ACMG Guidelines, 2015. Collection method: clinical testing. Allele origin: germline. Affected: no. Observed: 46 variant alleles.
Comment: This variant is classified as Benign based on local population frequency. This variant was detected in 49% of patients studied in a panel designed for Epileptic and Developmental Encephalopathy, Progressive Myoclonus Epilepsy and Abnormal Movements and Neurodegeneration with brain iron accumulation. Number of patients: 46. Only high quality variants are reported.

ARUP Laboratories, Molecular Genetics and Genomics, ARUP Laboratories
Classification: Benign for Autosomal recessive early-onset Parkinson disease 6. Last evaluated: 2023-11-29. Review status: criteria provided, single submitter. Criteria: ARUP Molecular Germline Variant Investigation Process 2024. Collection method: clinical testing. Allele origin: germline.

Mayo Clinic Laboratories, Mayo Clinic
Classification: Benign. Last evaluated: 2023-01-09. Review status: criteria provided, single submitter. Criteria: ACMG Guidelines, 2015. Collection method: clinical testing. Allele origin: germline. Observed: 316 variant alleles.
Comment: BA1, BP4

Genome-Nilou Lab
Classification: Benign for Autosomal recessive early-onset Parkinson disease 6. Last evaluated: 2021-09-05. Review status: criteria provided, single submitter. Criteria: ACMG Guidelines, 2015. Collection method: clinical testing. Allele origin: germline. Affected: no.

GeneDx
Classification: Benign. Last evaluated: 2018-08-30. Review status: criteria provided, single submitter. Criteria: GeneDx Variant Classification Process June 2021. Collection method: clinical testing. Allele origin: germline. Affected: yes.
Comment: This variant is associated with the following publications: (PMID: 31182772, 30917570, 21677397, 23303188, 23459931)

Illumina Laboratory Services, Illumina
Classification: Likely benign for Autosomal recessive early-onset Parkinson disease 6. Last evaluated: 2017-04-27. Review status: criteria provided, single submitter. Criteria: ICSL Variant Classification Criteria 13 December 2019. Collection method: clinical testing. Allele origin: germline.
Comment: This variant was observed as part of a predisposition screen in an ostensibly healthy population. A literature search was performed for the gene, cDNA change, and amino acid change (where applicable). No publications were found based on this search. Allele frequency data from public databases allowed determination this variant is unlikely to cause disease. Therefore, this variant is classified as likely benign.

Eurofins Ntd Llc (ga)
Classification: Benign. Last evaluated: 2017-02-07. Review status: criteria provided, single submitter. Criteria: EGL Classification Definitions 2015. Collection method: clinical testing. Allele origin: germline. Observed: 1 variant allele, 1 heterozygote.

Breakthrough Genomics
Classification: Likely benign. Review status: criteria provided, single submitter. Criteria: ACMG Guidelines, 2015. Collection method: not provided. Allele origin: germline. Inheritance: Autosomal recessive inheritance. Affected: yes.

Clinical Genetics DNA and cytogenetics Diagnostics Lab, Erasmus MC, Erasmus Medical Center
Classification: Benign. Review status: no assertion criteria provided. Collection method: clinical testing. Allele origin: germline. Affected: yes. Study: VKGL Data-share Consensus. Not counted in ClinVar's aggregate classification.

Diagnostic Laboratory, Department of Genetics, University Medical Center Groningen
Classification: Benign. Review status: no assertion criteria provided. Collection method: clinical testing. Allele origin: germline. Affected: yes. Study: VKGL Data-share Consensus. Not counted in ClinVar's aggregate classification.

Genome Diagnostics Laboratory, Amsterdam University Medical Center
Classification: Benign. Review status: no assertion criteria provided. Collection method: clinical testing. Allele origin: germline. Affected: yes. Study: VKGL Data-share Consensus. Not counted in ClinVar's aggregate classification.

Joint Genome Diagnostic Labs from Nijmegen and Maastricht, Radboudumc and MUMC+
Classification: Benign. Review status: no assertion criteria provided. Collection method: clinical testing. Allele origin: germline. Affected: yes. Study: VKGL Data-share Consensus. Not counted in ClinVar's aggregate classification.

Literature cited by the submitters: PubMed 23303188 (cited by Mayo Clinic Laboratories, Mayo Clinic); PubMed 31182772 (cited by Mayo Clinic Laboratories, Mayo Clinic).

NM_032409.3(PINK1):c.1562A>C (p.Asn521Thr)

Genes: PINK1-AS (PINK1 antisense RNA; minus strand), PINK1 (PTEN induced kinase 1; plus strand). Cytogenetic location: 1p36.12.
Variant type: single nucleotide variant.
Coding change: c.1562A>C on transcript NM_032409.3 (MANE Select); coding-DNA position 1562, A replaced by C.
Protein change: p.Asn521Thr; replaces asparagine 521 with threonine.
Molecular consequence: missense variant. On other transcripts: non-coding transcript variant (1).
Genome position (GRCh38, 1-based): chr1:20,650,507, A>C. VCF-style: chr1-20650507-A-C. GRCh37 (hg19) VCF-style: chr1-20977000-A-C.
Other names: short protein forms N521T.
Identifiers: ClinVar variation 295006 (VCV000295006.41), dbSNP rs1043424, ClinGen allele CA660883.
Genomic context (GRCh38, chr1:20,650,507, plus strand): 5'-GAGTAGCCGCAAATGTGCTTCATCTAAGCCTCTGGGGTGAACATATTCTAGCCCTGAAGA[A>C]TCTGAAGTTAGACAAGATGGTTGGCTGGCTCCTCCAACAATCGGCCGCCACTTTGTTGGC-3'
Protein context (NP_115785.1, residues 511-531): LWGEHILALK[Asn521Thr]LKLDKMVGWL